The following is an entry in ClinVar:

NM_004329.3(BMPR1A):c.650G>A (p.Gly217Asp)

Gene: BMPR1A (bone morphogenetic protein receptor type 1A; plus strand). Cytogenetic location: 10q23.2.
Variant type: single nucleotide variant.
Coding change: c.650G>A on transcript NM_004329.3 (MANE Select); coding-DNA position 650, G replaced by A.
Protein change: p.Gly217Asp; replaces glycine 217 with aspartic acid.
Molecular consequence: missense variant. On other transcripts: non-coding transcript variant (3), intron variant (1).
Genome position (GRCh38, 1-based): chr10:86,912,359, G>A. VCF-style: chr10-86912359-G-A. GRCh37 (hg19) VCF-style: chr10-88672116-G-A.
Other names: c.650G>A, p.Gly217Asp (NM_001406562.1, NM_001406563.1, NM_001406564.1 and 20 more transcripts); c.566G>A, p.Gly189Asp (NM_001406584.1, NM_001406585.1, NM_001406586.1 and 2 more transcripts); c.334-4775G>A (NM_001406589.1); c.725G>A, p.Gly242Asp (NM_001406559.1); c.698G>A, p.Gly233Asp (NM_001406560.1); short protein forms G189D, G217D, G233D, G242D.
Identifiers: ClinVar variation 3070148 (VCV003070148.4), dbSNP rs1843504054, ClinGen allele CA377455072.

ClinVar aggregate classification (germline): Uncertain significance. Review status: criteria provided, multiple submitters, no conflicts (2 of 4 stars). 3 submissions from 3 submitters: Uncertain significance (3). Last evaluated 2025-05-27.

Conditions:
Juvenile polyposis syndrome (JPS). Identifiers: Orphanet 2929, MedGen C0345893, MONDO:0017380, OMIM 174900.
Hereditary cancer-predisposing syndrome. Also called: Neoplastic Syndromes, Hereditary; Tumor predisposition; Hereditary neoplastic syndrome; Hereditary Cancer Syndrome. Identifiers: Orphanet 140162, MedGen C0027672, MeSH D009386, MONDO:0015356.

Submissions (3):

Ambry Genetics
Classification: Uncertain significance for Hereditary cancer-predisposing syndrome. Last evaluated: 2025-05-27. Review status: criteria provided, single submitter. Criteria: Ambry Variant Classification Scheme 2023. Collection method: clinical testing. Allele origin: germline.
Comment: The p.G217D variant (also known as c.650G>A), located in coding exon 6 of the BMPR1A gene, results from a G to A substitution at nucleotide position 650. The glycine at codon 217 is replaced by aspartic acid, an amino acid with similar properties. This amino acid position is conserved. In addition, this alteration is predicted to be deleterious by in silico analysis. Based on the available evidence, the clinical significance of this variant remains unclear.

Labcorp Genetics (formerly Invitae), Labcorp
Classification: Uncertain significance for Juvenile polyposis syndrome. Last evaluated: 2024-06-21. Review status: criteria provided, single submitter. Criteria: Invitae Variant Classification Sherloc (09022015). Collection method: clinical testing. Allele origin: germline.
Comment: This sequence change replaces glycine, which is neutral and non-polar, with aspartic acid, which is acidic and polar, at codon 217 of the BMPR1A protein (p.Gly217Asp). This variant is not present in population databases (gnomAD no frequency). This variant has not been reported in the literature in individuals affected with BMPR1A-related conditions. Advanced modeling of protein sequence and biophysical properties (such as structural, functional, and spatial information, amino acid conservation, physicochemical variation, residue mobility, and thermodynamic stability) has been performed at Invitae for this missense variant, however the output from this modeling did not meet the statistical confidence thresholds required to predict the impact of this variant on BMPR1A protein function. In summary, the available evidence is currently insufficient to determine the role of this variant in disease. Therefore, it has been classified as a Variant of Uncertain Significance.

All of Us Research Program, National Institutes of Health
Classification: Uncertain significance for Juvenile polyposis syndrome. Last evaluated: 2023-04-03. Review status: criteria provided, single submitter. Criteria: ACMG Guidelines, 2015. Collection method: clinical testing. Allele origin: germline. Inheritance: Autosomal dominant inheritance. Observed: 1 variant allele, 1 heterozygote.
Comment: This missense variant replaces glycine with aspartic acid at codon 217 of the BMPR1A protein. Computational prediction suggests that this variant may have deleterious impact on protein structure and function (internally defined REVEL score threshold >= 0.7, PMID: 27666373). To our knowledge, functional studies have not been reported for this variant. This variant has not been reported in individuals affected with BMPR1A-related disorders in the literature. This variant has not been identified in the general population by the Genome Aggregation Database (gnomAD). The available evidence is insufficient to determine the role of this variant in disease conclusively. Therefore, this variant is classified as a Variant of Uncertain Significance.

This study involves interpretation of variants in research participants for the purpose of population health screening. Participant phenotype was not available at the time of variant classification. Additional details can be found in publication PMID: 35346344, PMCID: PMC8962531